The following is an entry in ClinVar:

ClinVar aggregate classification (germline): Likely benign (1 of 4 stars; one submission).

Submission:

Mayo Clinic Laboratories, Mayo Clinic
Classification: Likely benign. Last evaluated: 2025-09-05. Review status: criteria provided, single submitter. Criteria: ACMG Guidelines, 2015. Collection method: clinical testing. Allele origin: germline. Observed: 2 variant alleles.
Comment: BP4, BP7, PM2_moderate

NM_003126.4(SPTA1):c.*99TG[24]

Genes: OR10Z1 (olfactory receptor family 10 subfamily Z member 1; plus strand), SPTA1 (spectrin alpha, erythrocytic 1; minus strand). Cytogenetic location: 1q23.1.
Variant type: Microsatellite.
Coding change: c.*99TG[24] on transcript NM_003126.4 (MANE Select); 24 copies in a row of the 2-base unit TG starting at c.*99; the reference has 17 copies in a row; seven copies, 14 bases duplicated.
Molecular consequence: 3 prime UTR variant.
Genome position (GRCh38, 1-based): chr1:158,611,132-158,611,145, CACACACACACACA duplicated on the plus strand (TGTGTGTGTGTGTG on the coding strand, the reverse complement: SPTA1 is on the minus strand); duplicating any 14 consecutive bases within chr1:158,611,132-158,611,166 gives the same sequence; the position shown is the placement nearest the transcript's 3' end. VCF-style (leftmost placement, unchanged base first): chr1-158611131-G-GCACACACACACACA. GRCh37 (hg19) VCF-style: chr1-158580921-G-GCACACACACACACA.
Other names: c.*3753AC[24] (NM_001004478.2); c.*119_*132dup (NM_003126.4).
Identifiers: ClinVar variation 4683556 (VCV004683556.1).